The following is an entry in ClinVar:

NM_000057.4(BLM):c.1082G>C (p.Cys361Ser)

Gene: BLM (BLM RecQ like helicase; plus strand). Cytogenetic location: 15q26.1.
Variant type: single nucleotide variant.
Coding change: c.1082G>C on transcript NM_000057.4 (MANE Select); coding-DNA position 1082, G replaced by C.
Protein change: p.Cys361Ser; replaces cysteine 361 with serine.
Molecular consequence: missense variant. On other transcripts: 5 prime UTR variant (1).
Genome position (GRCh38, 1-based): chr15:90,754,933, G>C. VCF-style: chr15-90754933-G-C. GRCh37 (hg19) VCF-style: chr15-91298163-G-C.
Other names: c.1082G>C, p.Cys361Ser (NM_001287246.2, NM_001287247.2); c.-210G>C (NM_001287248.2); short protein forms C361S.
Identifiers: ClinVar variation 3610875 (VCV003610875.2).

ClinVar aggregate classification (germline): Uncertain significance (1 of 4 stars; one submission).

Conditions:
Bloom syndrome (BLM). Also called: Bloom-Torre-Machacek syndrome. Identifiers: Orphanet 125, MedGen C0005859, MONDO:0008876, OMIM 210900.

gnomAD v4.1: 1 of 1,613,724 alleles (0.000062%); highest among the groups gnomAD compares: South Asian, 0.0011%; no homozygotes.

Submission:

Labcorp Genetics (formerly Invitae), Labcorp
Classification: Uncertain significance for Bloom syndrome. Last evaluated: 2024-12-12. Review status: criteria provided, single submitter. Criteria: Invitae Variant Classification Sherloc (09022015). Collection method: clinical testing. Allele origin: germline.
Comment: This sequence change replaces cysteine, which is neutral and slightly polar, with serine, which is neutral and polar, at codon 361 of the BLM protein (p.Cys361Ser). This variant is not present in population databases (gnomAD no frequency). This variant has not been reported in the literature in individuals affected with BLM-related conditions. Invitae Evidence Modeling of protein sequence and biophysical properties (such as structural, functional, and spatial information, amino acid conservation, physicochemical variation, residue mobility, and thermodynamic stability) indicates that this missense variant is not expected to disrupt BLM protein function with a negative predictive value of 80%. In summary, the available evidence is currently insufficient to determine the role of this variant in disease. Therefore, it has been classified as a Variant of Uncertain Significance.